The following is an entry in ClinVar:

ClinVar aggregate classification (germline): Uncertain significance (1 of 4 stars; one submission).

Conditions:
Cardiovascular phenotype. Identifiers: MedGen CN230736.
Hereditary cancer-predisposing syndrome. Also called: Tumor predisposition; Hereditary neoplastic syndrome; Neoplastic Syndromes, Hereditary; Hereditary Cancer Syndrome. Identifiers: Orphanet 140162, MedGen C0027672, MeSH D009386, MONDO:0015356.

Submission:

Ambry Genetics
Classification: Uncertain significance for Cardiovascular phenotype; Hereditary cancer-predisposing syndrome. Last evaluated: 2025-03-28. Review status: criteria provided, single submitter. Criteria: Ambry Variant Classification Scheme 2023. Collection method: clinical testing. Allele origin: germline.
Comment: The p.P733S variant (also known as c.2197C>T), located in coding exon 18 of the NF1 gene, results from a C to T substitution at nucleotide position 2197. The proline at codon 733 is replaced by serine, an amino acid with similar properties. This amino acid position is conserved. In addition, the in silico prediction for this alteration is inconclusive. Based on the available evidence, the clinical significance of this variant remains unclear.

NM_001042492.3(NF1):c.2197C>T (p.Pro733Ser)

Gene: NF1 (neurofibromin 1; plus strand). Cytogenetic location: 17q11.2.
Variant type: single nucleotide variant.
Coding change: c.2197C>T on transcript NM_001042492.3 (MANE Select); coding-DNA position 2197, C replaced by T.
Protein change: p.Pro733Ser; replaces proline 733 with serine.
Molecular consequence: missense variant.
Genome position (GRCh38, 1-based): chr17:31,226,630, C>T. VCF-style: chr17-31226630-C-T. GRCh37 (hg19) VCF-style: chr17-29553648-C-T.
Other names: c.2197C>T, p.Pro733Ser (NM_000267.4); short protein forms P733S.
Identifiers: ClinVar variation 4016869 (VCV004016869.1).